The following is an entry in ClinVar:

NM_001144952.2(SDK2):c.5758+2_5758+7dup

Gene: SDK2 (sidekick cell adhesion molecule 2; minus strand). Cytogenetic location: 17q25.1.
Variant type: Duplication.
Coding change: c.5758+2_5758+7dup on transcript NM_001144952.2 (MANE Select); the canonical splice donor site of the intron after coding-DNA position 5758 through 7 bases into the intron after coding-DNA position 5758, 6 bases duplicated (TACCGG; older notation c.5758+2_5758+7dupTACCGG).
Molecular consequence: splice donor variant.
Genome position (GRCh38, 1-based): chr17:73,352,466-73,352,471, CCGGTA duplicated on the plus strand (TACCGG on the coding strand, the reverse complement: SDK2 is on the minus strand); duplicating any 6 consecutive bases within chr17:73,352,466-73,352,473 gives the same sequence; the c. name uses the placement nearest the transcript's 3' end. VCF-style (leftmost placement, unchanged base first): chr17-73352465-G-GCCGGTA. GRCh37 (hg19) VCF-style: chr17-71348604-G-GCCGGTA.
Identifiers: ClinVar variation 4985055 (VCV004985055.1).

ClinVar aggregate classification (germline): Likely benign (1 of 4 stars; one submission).

Conditions:
SDK2-related disorder. Also called: SDK2-related condition.

Submission:

PreventionGenetics, part of Exact Sciences
Classification: Likely benign for SDK2-related condition. Last evaluated: 2025-08-08. Review status: criteria provided, single submitter. Criteria: ACMG Guidelines, 2015. Collection method: clinical testing. Allele origin: germline.
Comment: This variant is classified as likely benign based on ACMG/AMP sequence variant interpretation guidelines (Richards et al. 2015 PMID: 25741868, with internal and published modifications).